The following is an entry in ClinVar:

NM_013352.4(DSE):c.22dup (p.Ala8fs)

Gene: DSE (dermatan sulfate epimerase; plus strand). Cytogenetic location: 6q22.1.
Variant type: Duplication.
Coding change: c.22dup on transcript NM_013352.4 (MANE Select); coding-DNA position 22, one base duplicated (G; older notation c.22dupG).
Protein change: p.Ala8fs; shifts the reading frame from alanine 8.
Molecular consequence: frameshift variant. On other transcripts: 5 prime UTR variant (4), non-coding transcript variant (1).
Genome position (GRCh38, 1-based): chr6:116,399,272, G duplicated; the last of 6 consecutive G bases (chr6:116,399,267-116,399,272); duplicating any one gives the same sequence. VCF-style (leftmost placement, unchanged base first): chr6-116399266-C-CG. GRCh37 (hg19) VCF-style: chr6-116720429-C-CG.
Other names: c.22dup, p.Ala8fs (NM_001080976.3, NM_001322937.2, NM_001322938.2 and 3 more transcripts); c.79dup, p.Ala27fs (NM_001322939.2); c.-536dup (NM_001322940.2, NM_001322941.2); c.-879dup (NM_001374520.1); c.-566dup (NM_001374521.1); short protein forms A27fs, A8fs.
Identifiers: ClinVar variation 2503345 (VCV002503345.1), dbSNP rs2482082556, ClinGen allele CA645566372.

ClinVar aggregate classification (germline): Likely pathogenic (1 of 4 stars; one submission).

Submission:

GeneDx
Classification: Likely pathogenic. Last evaluated: 2022-11-25. Review status: criteria provided, single submitter. Criteria: GeneDx Variant Classification Process June 2021. Collection method: clinical testing. Allele origin: germline. Affected: yes.
Comment: Frameshift variant predicted to result in protein truncation or nonsense mediated decay in a gene for which loss of function is a known mechanism of disease; Not observed at significant frequency in large population cohorts (gnomAD); Has not been previously published as pathogenic or benign to our knowledge